The following is an entry in ClinVar:

ClinVar aggregate classification (germline): Benign/Likely benign. Review status: criteria provided, multiple submitters, no conflicts (2 of 4 stars). 5 submissions from 5 submitters: Benign (2); Likely benign (2). 1 of the submissions does not count toward it. Last evaluated 2026-01-28.

Conditions:
NEXMIF-related disorder. Also called: NEXMIF-related condition.

Allele frequency attached by ClinVar (database versions not stated): ExAC 0.00013; gnomAD exomes 0.00014; 1000 Genomes Project 0.00053; gnomAD 0.00055 and 0.00061; TOPMed 0.00055; ESP Exome Variant Server 0.00066; 1000 Genomes Project 30x 0.00083.
gnomAD v4.1: 122 of 1,210,165 alleles (0.01%); highest among the groups gnomAD compares: African/African-American, 0.2%; 1 homozygote.

Submissions (5):

Labcorp Genetics (formerly Invitae), Labcorp
Classification: Likely benign. Last evaluated: 2026-01-28. Review status: criteria provided, single submitter. Criteria: Invitae Variant Classification Sherloc (09022015). Collection method: clinical testing. Allele origin: germline.

Blueprint Genetics
Classification: Likely benign. Last evaluated: 2024-10-30. Review status: criteria provided, single submitter. Criteria: ACMG Guidelines, 2015. Collection method: clinical testing. Allele origin: germline.

GeneDx
Classification: Benign. Last evaluated: 2020-03-11. Review status: criteria provided, single submitter. Criteria: GeneDx Variant Classification Process June 2021. Collection method: clinical testing. Allele origin: germline. Affected: yes.

Ambry Genetics
Classification: Benign. Last evaluated: 2018-11-29. Review status: criteria provided, single submitter. Criteria: Ambry Variant Classification Scheme 2023. Collection method: clinical testing. Allele origin: germline.

PreventionGenetics, part of Exact Sciences
Classification: Likely benign for NEXMIF-related condition. Last evaluated: 2024-02-21. Review status: no assertion criteria provided. Collection method: clinical testing. Allele origin: germline. Not counted in ClinVar's aggregate classification.
Comment: This variant is classified as likely benign based on ACMG/AMP sequence variant interpretation guidelines (Richards et al. 2015 PMID: 25741868, with internal and published modifications).

NM_001008537.3(NEXMIF):c.4205A>G (p.Asn1402Ser)

Gene: NEXMIF (neurite extension and migration factor; minus strand). Cytogenetic location: Xq13.3.
Variant type: single nucleotide variant.
Coding change: c.4205A>G on transcript NM_001008537.3 (MANE Select); coding-DNA position 4205, A replaced by G.
Protein change: p.Asn1402Ser; replaces asparagine 1402 with serine.
Molecular consequence: missense variant.
Genome position (GRCh38, 1-based): chrX:74,740,352, T>C on the plus strand (A>G on the coding strand, the complement: NEXMIF is on the minus strand). VCF-style: chrX-74740352-T-C. GRCh37 (hg19) VCF-style: chrX-73960187-T-C.
Other names: short protein forms N1402S.
Identifiers: ClinVar variation 474074 (VCV000474074.21), dbSNP rs140532942, ClinGen allele CA10454867.
Genomic context (GRCh38, chrX:74,740,352, plus strand): 5'-GAGTCCTCGTTATAACCAGGCATGTTTGCACGACCAGGATCACCTATTGCTGTTTTCCCA[T>C]TGCTTTTGCTCACACCCTTGATTGACCTGTGATTCTTAGTGGCTCCTTGGGACCCACTGT-3'
Protein context (NP_001008537.1, residues 1392-1412): HRSIKGVSKS[Asn1402Ser]GKTAIGDPGR